The following is an entry in ClinVar:

NM_000051.4(ATM):c.5177+1G>A

Gene: ATM (ATM serine/threonine kinase; plus strand). Cytogenetic location: 11q22.3.
Variant type: single nucleotide variant.
Coding change: c.5177+1G>A on transcript NM_000051.4 (MANE Select); the canonical splice donor site of the intron after coding-DNA position 5177, G replaced by A.
Molecular consequence: splice donor variant.
Genome position (GRCh38, 1-based): chr11:108,299,886, G>A. VCF-style: chr11-108299886-G-A. GRCh37 (hg19) VCF-style: chr11-108170613-G-A.
Other names: c.5177+1G>A (NM_001351834.2).
Identifiers: ClinVar variation 429076 (VCV000429076.15), dbSNP rs1131691159, ClinGen allele CA382541263.

ClinVar aggregate classification (germline): Pathogenic. Review status: criteria provided, multiple submitters, no conflicts (2 of 4 stars). 3 submissions from 3 submitters: Pathogenic (3). Last evaluated 2024-08-26.

Conditions:
Ataxia-telangiectasia syndrome (AT). Also called: Cerebello-oculocutaneous telangiectasia; Immunodeficiency with ataxia telangiectasia; Ataxia-telangiectasia; LOUIS-BAR SYNDROME; Ataxia-telangiectasia, complementation group E; Ataxia telangiectasia (A-T). Identifiers: Orphanet 100, MedGen C0004135, MONDO:0008840, OMIM 208900.
Hereditary cancer-predisposing syndrome. Also called: Hereditary neoplastic syndrome; Tumor predisposition; Neoplastic Syndromes, Hereditary; Hereditary Cancer Syndrome. Identifiers: Orphanet 140162, MedGen C0027672, MeSH D009386, MONDO:0015356.

Submissions (3):

Labcorp Genetics (formerly Invitae), Labcorp
Classification: Pathogenic for Ataxia-telangiectasia syndrome. Last evaluated: 2024-08-26. Review status: criteria provided, single submitter. Criteria: Invitae Variant Classification Sherloc (09022015). Collection method: clinical testing. Allele origin: germline.
Comment: This sequence change affects a donor splice site in intron 34 of the ATM gene. RNA analysis indicates that disruption of this splice site induces altered splicing and may result in an absent or altered protein product. This variant is not present in population databases (gnomAD no frequency). Disruption of this splice site has been observed in individual(s) with ataxia telangiectasia and/or breast cancer (PMID: 18497957, 26896183). ClinVar contains an entry for this variant (Variation ID: 429076). Studies have shown that disruption of this splice site results in exon 36 skipping, and produces a non-functional protein and/or introduces a premature termination codon (PMID: 18497957). For these reasons, this variant has been classified as Pathogenic.

Ambry Genetics
Classification: Pathogenic for Hereditary cancer-predisposing syndrome. Last evaluated: 2022-04-08. Review status: criteria provided, single submitter. Criteria: Ambry Variant Classification Scheme 2023. Collection method: clinical testing. Allele origin: germline.
Comment: The c.5177+1G>A intronic pathogenic mutation results from a G to A substitution one nucleotide after coding exon 33 of the ATM gene. In the same study, functional studies showed that this mutation results in skipping of coding exon 33 and that the aberrant transcript represented approximately 50% of the transcribed ATM mRNA (Soukupova J et al. Oncol Rep. 2008 Jun;19(6):1505-10). This variant is considered to be rare based on population cohorts in the Genome Aggregation Database (gnomAD). In addition to the clinical data presented in the literature, alterations that disrupt the canonical splice site are expected to cause aberrant splicing, resulting in an abnormal protein or a transcript that is subject to nonsense-mediated mRNA decay. As such, this alteration is classified as a disease-causing mutation.

Women's Health and Genetics/Laboratory Corporation of America, LabCorp
Classification: Pathogenic for Ataxia-telangiectasia syndrome. Last evaluated: 2017-04-13. Review status: criteria provided, single submitter. Criteria: LabCorp Variant Classification Summary - May 2015. Collection method: clinical testing. Allele origin: germline.
Comment: Variant summary: The ATM c.5177+1G>A variant involves the alteration of a conserved intronic nucleotide. One in silico tool predicts a damaging outcome for this variant. 5/5 splice prediction tools predict loss of canonical splicing donor site. These predictions was confirmed by functional studies showing variant led to exon skipping (Soukupova_2008). This variant is absent in 125804 control chromosomes. It has been reported in AT patient as well as BrC patient. Taken together, this variant is classified as pathogenic.

Literature cited by the submitters: PubMed 18497957 (cited by Labcorp Genetics (formerly Invitae), Labcorp and Women's Health and Genetics/Laboratory Corporation of America, LabCorp); PubMed 26896183 (cited by Labcorp Genetics (formerly Invitae), Labcorp); PubMed 16411093 (cited by Women's Health and Genetics/Laboratory Corporation of America, LabCorp); PubMed 19781682 (cited by Women's Health and Genetics/Laboratory Corporation of America, LabCorp).